The following is an entry in ClinVar:

ClinVar aggregate classification (germline): Uncertain significance (1 of 4 stars; one submission).

Allele frequency attached by ClinVar (database versions not stated): gnomAD exomes below 0.00001; ExAC 0.00001.
gnomAD v4.1: 2 of 1,614,138 alleles (0.00012%); highest among the groups gnomAD compares: Admixed American, 0.0033%; no homozygotes.

Submission:

Labcorp Genetics (formerly Invitae), Labcorp
Classification: Uncertain significance. Last evaluated: 2022-10-22. Review status: criteria provided, single submitter. Criteria: Invitae Variant Classification Sherloc (09022015). Collection method: clinical testing. Allele origin: germline.
Comment: This sequence change affects codon 168 of the ESR2 mRNA. It is a 'silent' change, meaning that it does not change the encoded amino acid sequence of the ESR2 protein. This variant is present in population databases (rs745433371, gnomAD 0.006%). This variant has not been reported in the literature in individuals affected with ESR2-related conditions. Algorithms developed to predict the effect of sequence changes on RNA splicing suggest that this variant may disrupt the consensus splice site. In summary, the available evidence is currently insufficient to determine the role of this variant in disease. Therefore, it has been classified as a Variant of Uncertain Significance.

NM_001437.3(ESR2):c.504A>T (p.Gly168=)

Gene: ESR2 (estrogen receptor 2; minus strand). Cytogenetic location: 14q23.2.
Variant type: single nucleotide variant.
Coding change: c.504A>T on transcript NM_001437.3 (MANE Select); coding-DNA position 504, A replaced by T.
Protein change: p.Gly168=; no amino-acid change (glycine 168 retained).
Molecular consequence: synonymous variant. On other transcripts: non-coding transcript variant (1).
Genome position (GRCh38, 1-based): chr14:64,280,012, T>A on the plus strand (A>T on the coding strand, the complement: ESR2 is on the minus strand). VCF-style: chr14-64280012-T-A. GRCh37 (hg19) VCF-style: chr14-64746730-T-A.
Other names: c.504A>T, p.Gly168= (NM_001040275.1, NM_001214902.1, NM_001271876.1 and 3 more transcripts).
Identifiers: ClinVar variation 2775646 (VCV002775646.3), dbSNP rs745433371, ClinGen allele CA7225573.
Genomic context (GRCh38, chr14:64,280,012, plus strand): 5'-TAAAGAAGCAGTTAACAATTCTCTTGTACCTTGAATGCTTCTTTTAAAAAAGGCCTTACA[T>A]CCTTCACACGACCAGACTCCATAGTGATATCCCGATGCGTAATCGCTGCAGACAGCGCAG-3'
Protein context (NP_001428.1, residues 158-178): GYHYGVWSCE[Gly168=]CKAFFKRSIQ